The following is an entry in ClinVar:

ClinVar aggregate classification (germline): Pathogenic. Review status: reviewed by expert panel (3 of 4 stars). 2 submissions from 2 submitters: Pathogenic (1). 1 of the submissions does not count toward it. Last evaluated 2017-12-15.

Conditions:
Hereditary cancer-predisposing syndrome. Also called: Hereditary Cancer Syndrome; Neoplastic Syndromes, Hereditary; Tumor predisposition; Hereditary neoplastic syndrome. Identifiers: Orphanet 140162, MedGen C0027672, MeSH D009386, MONDO:0015356.
Breast-ovarian cancer, familial, susceptibility to, 2 (BROVCA2). Also called: BRCA2 Hereditary Breast and Ovarian Cancer. Identifiers: Orphanet 145, MedGen C2675520, MONDO:0012933, OMIM 612555. Disease mechanism: loss of function.

Submissions (2):

Evidence-based Network for the Interpretation of Germline Mutant Alleles (ENIGMA)
Classification: Pathogenic for Breast-ovarian cancer, familial, susceptibility to, 2. Last evaluated: 2017-12-15. Review status: reviewed by expert panel. Criteria: ENIGMA BRCA1/2 Classification Criteria (2017-06-29). Collection method: curation. Allele origin: germline. Study: ENIGMA.
Comment: Variant allele predicted to encode a truncated non-functional protein.

Ambry Genetics
Classification: Pathogenic for Hereditary cancer-predisposing syndrome. Last evaluated: 2015-04-02. Review status: criteria provided, single submitter. Criteria: Ambry Variant Classification Scheme 2023. Collection method: clinical testing. Allele origin: germline. Not counted in ClinVar's aggregate classification.
Comment: The c.834delC pathogenic mutation (also known as 1062delC), located in coding exon 9 of the BRCA2 gene, results from a deletion of one nucleotide at nucleotide position 834, causing a translational frameshift with a predicted alternate stop codon. Since frameshifts are typically deleterious in nature, this alteration is interpreted as a disease-causing mutation (ACMG Recommendations for Standards for Interpretation and Reporting of Sequence Variations. Revision 2007. Genet Med. 2008;10:294).

NM_000059.4(BRCA2):c.834del (p.Cys279fs)

Gene: BRCA2 (BRCA2 DNA repair associated; plus strand). Cytogenetic location: 13q13.1.
Variant type: Deletion.
Coding change: c.834del on transcript NM_000059.4 (MANE Select); coding-DNA position 834, one base deleted (C; older notation c.834delC).
Protein change: p.Cys279fs; shifts the reading frame from cysteine 279.
Molecular consequence: frameshift variant.
Genome position (GRCh38, 1-based): chr13:32,332,312, C deleted. VCF-style (leftmost placement, unchanged base first): chr13-32332311-GC-G. GRCh37 (hg19) VCF-style: chr13-32906448-GC-G.
Other names: c.834delC (NM_000059.3); short protein forms C279fs.
Identifiers: ClinVar variation 230949 (VCV000230949.5), dbSNP rs876658861, ClinGen allele CA10579475.